The following is an entry in ClinVar:

ClinVar aggregate classification (germline): Likely pathogenic (1 of 4 stars; one submission).

Conditions:
Dilated cardiomyopathy 1G (CMD1G). Identifiers: Orphanet 154, MedGen C1858763, MONDO:0011400, OMIM 604145.
Autosomal recessive limb-girdle muscular dystrophy type 2J (LGMDR10). Also called: Limb-girdle muscular dystrophy, type 2J; MUSCULAR DYSTROPHY, LIMB-GIRDLE, AUTOSOMAL RECESSIVE 10. Identifiers: Orphanet 140922, MedGen C1837342, MONDO:0012127, OMIM 608807.

Submission:

Labcorp Genetics (formerly Invitae), Labcorp
Classification: Likely pathogenic for Dilated cardiomyopathy 1G; Autosomal recessive limb-girdle muscular dystrophy type 2J. Last evaluated: 2024-10-28. Review status: criteria provided, single submitter. Criteria: Invitae Variant Classification Sherloc (09022015). Collection method: clinical testing. Allele origin: germline.
Comment: This sequence change creates a premature translational stop signal (p.Glu11361Argfs*107) in the TTN gene. While this is not anticipated to result in nonsense mediated decay, it is expected to create a truncated TTN protein. This variant is not present in population databases (gnomAD no frequency). This variant has not been reported in the literature in individuals affected with TTN-related conditions. ClinVar contains an entry for this variant (Variation ID: 2007964). This variant is located in the I band of TTN (PMID: 25589632). Truncating variants in this region have been reported in individuals affected with autosomal recessive centronuclear myopathy (PMID: 23975875, internal data). Truncating variants in this region have also been identified in individuals affected with autosomal dominant dilated cardiomyopathy and/or cardio-related conditions (PMID: 27869827, 32964742, internal data). In summary, the currently available evidence indicates that the variant is pathogenic, but additional data are needed to prove that conclusively. Therefore, this variant has been classified as Likely Pathogenic.

Literature cited by the submitters: PubMed 25589632; PubMed 23975875; PubMed 27869827; PubMed 32964742.

NM_001267550.2(TTN):c.34080del (p.Glu11361fs)

Gene: TTN (titin; minus strand). Cytogenetic location: 2q31.2.
Variant type: Deletion.
Coding change: c.34080del on transcript NM_001267550.2 (MANE Select); coding-DNA position 34080, one base deleted (A; older notation c.34080delA).
Protein change: p.Glu11361fs; shifts the reading frame from glutamic acid 11361.
Molecular consequence: frameshift variant. On other transcripts: intron variant (3).
Genome position (GRCh38, 1-based): chr2:178,677,832, T deleted on the plus strand (A on the coding strand, the reverse complement: TTN is on the minus strand); the first of 2 consecutive T bases (chr2:178,677,832-178,677,833); deleting either gives the same sequence. VCF-style (leftmost placement, unchanged base first): chr2-178677831-CT-C. GRCh37 (hg19) VCF-style: chr2-179542558-CT-C.
Other names: c.33129del, p.Glu11044fs (NM_001256850.1); c.30348del, p.Glu10117fs (NM_133378.4); c.13283-35515del (NM_003319.4); c.13859-35515del (NM_133437.4); c.13658-35515del (NM_133432.3); short protein forms E10117fs, E11044fs, E11361fs.
Identifiers: ClinVar variation 2007964 (VCV002007964.4), dbSNP rs2068449960, ClinGen allele CA1310575274.